The following is an entry in ClinVar:

NM_000891.3(KCNJ2):c.89T>C (p.Phe30Ser)

Gene: KCNJ2 (potassium inwardly rectifying channel subfamily J member 2; plus strand). Cytogenetic location: 17q24.3.
Variant type: single nucleotide variant.
Coding change: c.89T>C on transcript NM_000891.3 (MANE Select); coding-DNA position 89, T replaced by C.
Protein change: p.Phe30Ser; replaces phenylalanine 30 with serine.
Molecular consequence: missense variant.
Genome position (GRCh38, 1-based): chr17:70,175,128, T>C. VCF-style: chr17-70175128-T-C. GRCh37 (hg19) VCF-style: chr17-68171269-T-C.
Other names: short protein forms F30S.
Identifiers: ClinVar variation 2934270 (VCV002934270.3), dbSNP rs2509920752, ClinGen allele CA400859837.
Genomic context (GRCh38, chr17:70,175,128, plus strand): 5'-GCATCGTCTCTTCAGAAGAAGACGGTATGAAGTTGGCCACCATGGCAGTTGCAAATGGCT[T>C]TGGGAACGGGAAGAGTAAAGTCCACACCCGACAACAGTGCAGGAGCCGCTTTGTGAAGAA-3'
Protein context (NP_000882.1, residues 20-40): KLATMAVANG[Phe30Ser]GNGKSKVHTR

ClinVar aggregate classification (germline): Uncertain significance (1 of 4 stars; one submission).

Conditions:
Andersen Tawil syndrome (LQT7). Also called: ANDERSEN CARDIODYSRHYTHMIC PERIODIC PARALYSIS; LONG QT SYNDROME 7; PERIODIC PARALYSIS, POTASSIUM-SENSITIVE CARDIODYSRHYTHMIC TYPE; Andersen Syndrome; Potassium-sensitive periodic paralysis, ventricular ectopy, and dysmorphic features. Identifiers: Orphanet 37553, MedGen C1563715, MONDO:0008222, OMIM 170390.
Short QT syndrome type 3. Identifiers: Orphanet 51083, MedGen C1865018, MONDO:0012314, OMIM 609622.

gnomAD v4.1: 2 of 1,614,098 alleles (0.00012%); highest among the groups gnomAD compares: Admixed American, 0.0017%; no homozygotes.

Submission:

Labcorp Genetics (formerly Invitae), Labcorp
Classification: Uncertain significance for Short QT syndrome type 3; Andersen Tawil syndrome. Last evaluated: 2023-09-27. Review status: criteria provided, single submitter. Criteria: Invitae Variant Classification Sherloc (09022015). Collection method: clinical testing. Allele origin: germline.
Comment: This sequence change replaces phenylalanine, which is neutral and non-polar, with serine, which is neutral and polar, at codon 30 of the KCNJ2 protein (p.Phe30Ser). This variant is not present in population databases (gnomAD no frequency). This variant has not been reported in the literature in individuals affected with KCNJ2-related conditions. An algorithm developed to predict the effect of missense changes on protein structure and function (PolyPhen-2) suggests that this variant is likely to be tolerated. In summary, the available evidence is currently insufficient to determine the role of this variant in disease. Therefore, it has been classified as a Variant of Uncertain Significance.